The following is an entry in ClinVar:

NM_020928.2(ZSWIM6):c.2754G>A (p.Val918=)

Gene: ZSWIM6 (zinc finger SWIM-type containing 6; plus strand). Cytogenetic location: 5q12.1.
Variant type: single nucleotide variant.
Coding change: c.2754G>A on transcript NM_020928.2 (MANE Select); coding-DNA position 2754, G replaced by A.
Protein change: p.Val918=; no amino-acid change (valine 918 retained).
Molecular consequence: synonymous variant.
Genome position (GRCh38, 1-based): chr5:61,541,934, G>A. VCF-style: chr5-61541934-G-A. GRCh37 (hg19) VCF-style: chr5-60837761-G-A.
Identifiers: ClinVar variation 3257329 (VCV003257329.17).

ClinVar aggregate classification (germline): Uncertain significance (1 of 4 stars; one submission).

gnomAD v4.1: 1 of 1,551,380 alleles (0.000064%); no homozygotes.

Submission:

CeGaT Center for Human Genetics Tuebingen
Classification: Uncertain significance. Last evaluated: 2024-07-01. Review status: criteria provided, single submitter. Criteria: CeGaT Center For Human Genetics Tuebingen Variant Classification Criteria Version 2. Collection method: clinical testing. Allele origin: germline. Affected: yes. Observed: 2 variant alleles.
Comment: ZSWIM6: PM2:Supporting, PP3